The following is an entry in ClinVar:

NM_001012614.2(CTBP1):c.556G>A (p.Gly186Ser)

Genes: CTBP1 (C-terminal binding protein 1; minus strand), CTBP1-AS (CTBP1 antisense RNA; plus strand). Cytogenetic location: 4p16.3.
Variant type: single nucleotide variant.
Coding change: c.556G>A on transcript NM_001012614.2 (MANE Select); coding-DNA position 556, G replaced by A.
Protein change: p.Gly186Ser; replaces glycine 186 with serine.
Molecular consequence: missense variant. On other transcripts: non-coding transcript variant (1).
Genome position (GRCh38, 1-based): chr4:1,216,164, C>T on the plus strand (G>A on the coding strand, the complement: CTBP1 is on the minus strand). VCF-style: chr4-1216164-C-T. GRCh37 (hg19) VCF-style: chr4-1209952-C-T.
Other names: c.589G>A, p.Gly197Ser (NM_001328.3, NM_001377186.1); c.556G>A, p.Gly186Ser (NM_001377187.1, NM_001377188.1, NM_001377189.1 and 4 more transcripts); short protein forms G186S, G197S.
Identifiers: ClinVar variation 1933502 (VCV001933502.5), dbSNP rs142670248, ClinGen allele CA2804363.

ClinVar aggregate classification (germline): Uncertain significance (1 of 4 stars; one submission).

Allele frequency attached by ClinVar (database versions not stated): gnomAD 0.00001; gnomAD exomes 0.00001; ExAC 0.00002; ESP Exome Variant Server 0.00008.
gnomAD v4.1: 16 of 1,610,798 alleles (0.00099%); highest among the groups gnomAD compares: African/African-American, 0.0013%; no homozygotes.

Submission:

Labcorp Genetics (formerly Invitae), Labcorp
Classification: Uncertain significance. Last evaluated: 2022-08-19. Review status: criteria provided, single submitter. Criteria: Invitae Variant Classification Sherloc (09022015). Collection method: clinical testing. Allele origin: germline.
Comment: This sequence change replaces glycine, which is neutral and non-polar, with serine, which is neutral and polar, at codon 197 of the CTBP1 protein (p.Gly197Ser). In summary, the available evidence is currently insufficient to determine the role of this variant in disease. Therefore, it has been classified as a Variant of Uncertain Significance. Algorithms developed to predict the effect of missense changes on protein structure and function (SIFT, PolyPhen-2, Align-GVGD) all suggest that this variant is likely to be disruptive. This variant has not been reported in the literature in individuals affected with CTBP1-related conditions. The frequency data for this variant in the population databases is considered unreliable, as metrics indicate poor data quality at this position in the gnomAD database.